The following is an entry in ClinVar:

ClinVar aggregate classification (germline): Conflicting classifications of pathogenicity. Review status: criteria provided, conflicting classifications (1 of 4 stars). 3 submissions from 3 submitters: Uncertain significance (1); Likely benign (2). Last evaluated 2026-09-21.

Allele frequency attached by ClinVar (database versions not stated): gnomAD 0.00005 and 0.00006; gnomAD exomes 0.00004 and 0.00008; ExAC 0.00006.
gnomAD v4.1: 80 of 1,609,506 alleles (0.005%); highest among the groups gnomAD compares: Middle Eastern, 0.14%; 2 homozygotes.

Submissions (3):

Molecular Diagnostic Laboratory for Inherited Cardiovascular Disease, Montreal Heart Institute
Classification: Likely benign. Last evaluated: 2026-09-21. Review status: criteria provided, single submitter. Criteria: ACMG Guidelines, 2015. Collection method: clinical testing. Allele origin: germline. Affected: no.
Comment: BS1;BP1

GeneDx
Classification: Likely benign. Last evaluated: 2019-01-18. Review status: criteria provided, single submitter. Criteria: GeneDx Variant Classification Process June 2021. Collection method: clinical testing. Allele origin: germline. Affected: yes.
Comment: This variant is associated with the following publications: (PMID: 23861362)

Biesecker Lab/Clinical Genomics Section, National Institutes of Health
Classification: Uncertain significance. Last evaluated: 2013-06-24. Review status: criteria provided, single submitter. Criteria: Ng et al. (Circ Cardiovasc Genet. 2013). Collection method: research. Allele origin: unknown. Observed: 1 variant allele. Study: ClinSeq.
Comment: The study set was not selected for affection status in relation to any cancer. Pathogenicity categories were based on literature curation. See Pubmed ID:23861362 for details.

Medical sequencing

NM_133379.5(TTN):c.15227C>T (p.Pro5076Leu)

Gene: TTN (titin; minus strand). Cytogenetic location: 2q31.2.
Variant type: single nucleotide variant.
Coding change: c.15227C>T on transcript NM_133379.5; coding-DNA position 15227, C replaced by T.
Protein change: p.Pro5076Leu; replaces proline 5076 with leucine.
Molecular consequence: missense variant. On other transcripts: intron variant (6).
Genome position (GRCh38, 1-based): chr2:178,747,173, G>A on the plus strand (C>T on the coding strand, the complement: TTN is on the minus strand). VCF-style: chr2-178747173-G-A. GRCh37 (hg19) VCF-style: chr2-179611900-G-A.
Other names: p.P5076L:CCC>CTC; c.15227C>T (NM_133379.4); c.10223-5252C>T (NM_003319.4); c.10799-5252C>T (NM_133437.4); c.10598-5252C>T (NM_133432.3); c.10360+5951C>T (NM_133378.4); c.10361-5252C>T (NM_001256850.1); c.11312-5252C>T (NM_001267550.2); short protein forms P5076L.
Identifiers: ClinVar variation 192046 (VCV000192046.5), dbSNP rs201137248, ClinGen allele CA302522.
Genomic context (GRCh38, chr2:178,747,173, plus strand): 5'-GAGTATCTCTCCAGAGTCTCTCCTGGGGGTGTGGAATATCTCTCTAGAGTCTCTCCTGGG[G>A]GTGTGGAGTATCTCTCTAGAGTCTCTCCTGGAGGTGTGGAGTATCTCTCTAGTGTCTCCC-3'